The following is an entry in ClinVar:

NM_001349206.2(LPIN1):c.2377dup (p.Ser793fs)

Gene: LPIN1 (lipin 1; plus strand). Cytogenetic location: 2p25.1.
Variant type: Duplication.
Coding change: c.2377dup on transcript NM_001349206.2 (MANE Select); coding-DNA position 2377, one base duplicated (A; older notation c.2377dupA).
Protein change: p.Ser793fs; shifts the reading frame from serine 793.
Molecular consequence: frameshift variant. On other transcripts: non-coding transcript variant (1).
Genome position (GRCh38, 1-based): chr2:11,815,215, A duplicated. VCF-style (leftmost placement, unchanged base first): chr2-11815214-C-CA. GRCh37 (hg19) VCF-style: chr2-11955340-C-CA.
Other names: c.2287dup, p.Ser763fs (NM_001261427.3); c.2524dup, p.Ser842fs (NM_001261428.3); c.2269dup, p.Ser757fs (NM_001349199.2, NM_145693.4); c.2347dup, p.Ser783fs (NM_001349200.2, NM_001349201.2); c.2374dup, p.Ser792fs (NM_001349202.2, NM_001349203.2); c.2377dup, p.Ser793fs (NM_001349204.2, NM_001349205.2); c.2467dup, p.Ser823fs (NM_001349207.2); c.2416dup, p.Ser806fs (NM_001349208.2); short protein forms S757fs, S763fs, S783fs, S792fs, S793fs, S806fs, S823fs, S842fs.
Identifiers: ClinVar variation 5038226 (VCV005038226.1).

ClinVar aggregate classification (germline): Likely pathogenic (1 of 4 stars; one submission).

Conditions:
Myoglobinuria, acute recurrent, autosomal recessive. Also called: MYOGLOBINURIA, FAMILIAL PAROXYSMAL PARALYTIC; RHABDOMYOLYSIS, ACUTE RECURRENT; Myoglobinuria, recurrent, autosomal recessive. Identifiers: Orphanet 99845, MedGen C1849386, MONDO:0009992, OMIM 268200.

Submission:

MVZ Medizinische Genetik Mainz
Classification: Likely pathogenic for Myoglobinuria, acute recurrent, autosomal recessive. Last evaluated: 2026-01-16. Review status: criteria provided, single submitter. Criteria: UK Practice Guidelines For Variant Classification V4 01 2020. Collection method: clinical testing. Allele origin: germline. Inheritance: Autosomal recessive inheritance. Affected: yes. Observed: 1 variant allele.
Comment: ACMG Criteria: PVS1,PM2_SUP